The following is an entry in ClinVar:

ClinVar aggregate classification (germline): Conflicting classifications of pathogenicity. Review status: criteria provided, conflicting classifications (1 of 4 stars). 5 submissions from 5 submitters: Uncertain significance (1); Benign (1); Likely benign (3). Last evaluated 2026-03-01.

Conditions:
Inborn genetic diseases. Identifiers: MedGen C0950123, MeSH D030342.
Pitt-Hopkins-like syndrome 2 (PTHSL2). Identifiers: Orphanet 221150, Orphanet 600663, MedGen C3280479, MONDO:0013690, OMIM 614325.

Allele frequency attached by ClinVar (database versions not stated): gnomAD exomes 0.00008; ExAC 0.00011; TOPMed 0.00047; gnomAD 0.00048 and 0.00057.
gnomAD v4.1: 105 of 1,461,764 alleles (0.0072%); highest among the groups gnomAD compares: African/African-American, 0.11%; no homozygotes.

Submissions (5):

CeGaT Center for Human Genetics Tuebingen
Classification: Likely benign. Last evaluated: 2026-03-01. Review status: criteria provided, single submitter. Criteria: CeGaT Center For Human Genetics Tuebingen Variant Classification Criteria Version 2. Collection method: clinical testing. Allele origin: germline. Affected: yes. Observed: 1 variant allele.
Comment: NRXN1: BP4, BP7

Labcorp Genetics (formerly Invitae), Labcorp
Classification: Likely benign for Pitt-Hopkins-like syndrome 2. Last evaluated: 2026-01-28. Review status: criteria provided, single submitter. Criteria: Invitae Variant Classification Sherloc (09022015). Collection method: clinical testing. Allele origin: germline.

Eurofins Ntd Llc (ga)
Classification: Uncertain significance. Last evaluated: 2018-03-06. Review status: criteria provided, single submitter. Criteria: EGL ClinVar v180209 classification definitions. Collection method: clinical testing. Allele origin: germline. Observed: 1 variant allele, 1 heterozygote.

Ambry Genetics
Classification: Likely benign for Inborn genetic diseases. Last evaluated: 2017-06-22. Review status: criteria provided, single submitter. Criteria: Ambry Variant Classification Scheme 2023. Collection method: clinical testing. Allele origin: germline.

GeneDx
Classification: Benign. Last evaluated: 2015-03-03. Review status: criteria provided, single submitter. Criteria: GeneDx Variant Classification Process June 2021. Collection method: clinical testing. Allele origin: germline. Affected: yes.

NM_001330078.2(NRXN1):c.24C>T (p.Arg8=)

Gene: NRXN1 (neurexin 1; minus strand). Cytogenetic location: 2p16.3.
Variant type: single nucleotide variant.
Coding change: c.24C>T on transcript NM_001330078.2 (MANE Select); coding-DNA position 24, C replaced by T.
Protein change: p.Arg8=; no amino-acid change (arginine 8 retained).
Molecular consequence: synonymous variant.
Genome position (GRCh38, 1-based): chr2:51,028,250, G>A on the plus strand (C>T on the coding strand, the complement: NRXN1 is on the minus strand). VCF-style: chr2-51028250-G-A. GRCh37 (hg19) VCF-style: chr2-51255388-G-A.
Other names: c.24C>T, p.Arg8= (NM_001135659.3, NM_001330077.2, NM_001330079.2 and 15 more transcripts).
Identifiers: ClinVar variation 195128 (VCV000195128.25), dbSNP rs200113281, ClinGen allele CA241410.